The following is an entry in ClinVar:

ClinVar aggregate classification (germline): Uncertain significance. Review status: criteria provided, multiple submitters, no conflicts (2 of 4 stars). 3 submissions from 3 submitters: Uncertain significance (3). Last evaluated 2025-06-26.

Conditions:
Upshaw-Schulman syndrome (TTP). Also called: Congenital thrombotic thrombocytopenic purpura; THROMBOTIC THROMBOCYTOPENIC PURPURA, HEREDITARY. Identifiers: Orphanet 93583, MedGen C1268935, MONDO:0010122, OMIM 274150.

gnomAD v4.1: 65 of 1,613,748 alleles (0.004%); highest among the groups gnomAD compares: African/African-American, 0.029%; no homozygotes.

Submissions (3):

Mayo Clinic Laboratories, Mayo Clinic
Classification: Uncertain significance. Last evaluated: 2025-06-26. Review status: criteria provided, single submitter. Criteria: ACMG Guidelines, 2015. Collection method: clinical testing. Allele origin: germline. Observed: 2 variant alleles.
Comment: BP4_moderate

Women's Health and Genetics/Laboratory Corporation of America, LabCorp
Classification: Uncertain significance. Last evaluated: 2025-03-05. Review status: criteria provided, single submitter. Criteria: LabCorp Variant Classification Summary - May 2015. Collection method: clinical testing. Allele origin: germline.
Comment: Variant summary: ADAMTS13 c.1463G>A (p.Arg488Gln) results in a conservative amino acid change in the encoded protein sequence. Four of five in-silico tools predict a benign effect of the variant on protein function. The variant allele was found at a frequency of 5.2e-05 in 251018 control chromosomes. This frequency is not significantly higher than estimated for a pathogenic variant in ADAMTS13 causing Thrombotic Thrombocytopenic Purpura, allowing no conclusion about variant significance. To our knowledge, no occurrence of c.1463G>A in individuals affected with Thrombotic Thrombocytopenic Purpura and no experimental evidence demonstrating its impact on protein function have been reported. ClinVar contains an entry for this variant (Variation ID: 3379925). Based on the evidence outlined above, the variant was classified as uncertain significance.

Fulgent Genetics
Classification: Uncertain significance for Upshaw-Schulman syndrome. Last evaluated: 2024-01-06. Review status: criteria provided, single submitter. Criteria: ACMG Guidelines, 2015. Collection method: clinical testing. Allele origin: germline.

NM_139027.6(ADAMTS13):c.1463G>A (p.Arg488Gln)

Gene: ADAMTS13 (ADAM metallopeptidase with thrombospondin type 1 motif 13; plus strand). Cytogenetic location: 9q34.2.
Variant type: single nucleotide variant.
Coding change: c.1463G>A on transcript NM_139027.6 (MANE Select); coding-DNA position 1463, G replaced by A.
Protein change: p.Arg488Gln; replaces arginine 488 with glutamine.
Molecular consequence: missense variant.
Genome position (GRCh38, 1-based): chr9:133,437,776, G>A. VCF-style: chr9-133437776-G-A. GRCh37 (hg19) VCF-style: chr9-136302896-G-A.
Other names: p.Arg488Gln; c.1463G>A, p.Arg488Gln (NM_139025.5); c.1370G>A, p.Arg457Gln (NM_139026.6); short protein forms R457Q, R488Q.
Identifiers: ClinVar variation 3379925 (VCV003379925.4).
Genomic context (GRCh38, chr9:133,437,776, plus strand): 5'-TTCAGGACACCCTTTTTCACTCTGCCCTCCCAGGGGATGCTCTGTGCAGACACATGTGCC[G>A]GGCCATTGGCGAGAGCTTCATCATGAAGCGTGGAGACAGCTTCCTCGATGGGACCCGGTG-3'
Protein context (NP_620596.2, residues 478-498): QGDALCRHMC[Arg488Gln]AIGESFIMKR